The following is an entry in ClinVar:

NM_005236.3(ERCC4):c.*3032G>T

Gene: ERCC4 (ERCC excision repair 4, endonuclease catalytic subunit; plus strand). Cytogenetic location: 16p13.12.
Variant type: single nucleotide variant.
Coding change: c.*3032G>T on transcript NM_005236.3 (MANE Select); 3032 bases downstream of the stop codon, G replaced by T.
Molecular consequence: 3 prime UTR variant.
Genome position (GRCh38, 1-based): chr16:13,951,379, G>T. VCF-style: chr16-13951379-G-T. GRCh37 (hg19) VCF-style: chr16-14045236-G-T.
Identifiers: ClinVar variation 317863 (VCV000317863.6), dbSNP rs4781562, ClinGen allele CA10637089.

ClinVar aggregate classification (germline): Benign. Review status: criteria provided, multiple submitters, no conflicts (2 of 4 stars). 2 submissions from 2 submitters: Benign (2). Last evaluated 2018-01-12.

Conditions:
Xeroderma pigmentosum, group F (XPF). Also called: XERODERMA PIGMENTOSUM, COMPLEMENTATION GROUP F; XERODERMA PIGMENTOSUM VI; XP, GROUP F; ERCC4-Related Xeroderma Pigmentosum; XERODERMA PIGMENTOSUM, TYPE F; Xeroderma pigmentosum, type 6. Identifiers: MedGen C0268140, MONDO:0010215, OMIM 278760.

Allele frequency attached by ClinVar (database versions not stated): 1000 Genomes Project 30x 0.24781; 1000 Genomes Project 0.25739; gnomAD exomes 0.26632; TOPMed 0.27115; gnomAD 0.27153 and 0.27315.
gnomAD v4.1: 53,625 of 197,888 alleles (27%); highest among the groups gnomAD compares: Middle Eastern, 32%; 7,496 homozygotes.

Submissions (2):

Illumina Laboratory Services, Illumina
Classification: Benign for Xeroderma pigmentosum, group F. Last evaluated: 2018-01-12. Review status: criteria provided, single submitter. Criteria: ICSL Variant Classification Criteria 13 December 2019. Collection method: clinical testing. Allele origin: germline.
Comment: This variant was observed in the ICSL laboratory as part of a predisposition screen in an ostensibly healthy population. It had not been previously curated by ICSL or reported in the Human Gene Mutation Database (HGMD: prior to June 1st, 2018), and was therefore a candidate for classification through an automated scoring system. Utilizing variant allele frequency, disease prevalence and penetrance estimates, and inheritance mode, an automated score was calculated to assess if this variant is too frequent to cause the disease. Based on the score and internal cut-off values, a variant classified as benign is not then subjected to further curation. The score for this variant resulted in a classification of benign for this disease.

Breakthrough Genomics
Classification: Benign. Review status: criteria provided, single submitter. Criteria: ACMG Guidelines, 2015. Collection method: not provided. Allele origin: germline. Inheritance: Autosomal recessive inheritance. Affected: yes.